The following is an entry in ClinVar:

ClinVar aggregate classification (germline): Likely benign (1 of 4 stars; one submission).

Conditions:
CHD7-related disorder. Also called: CHD7-related condition.

Submission:

PreventionGenetics, part of Exact Sciences
Classification: Likely benign for CHD7-related condition. Last evaluated: 2024-10-14. Review status: criteria provided, single submitter. Criteria: ACMG Guidelines, 2015. Collection method: clinical testing. Allele origin: germline.
Comment: This variant is classified as likely benign based on ACMG/AMP sequence variant interpretation guidelines (Richards et al. 2015 PMID: 25741868, with internal and published modifications).

NM_017780.4(CHD7):c.5405-23G>T

Gene: CHD7 (chromodomain helicase DNA binding protein 7; plus strand). Cytogenetic location: 8q12.2.
Variant type: single nucleotide variant.
Coding change: c.5405-23G>T on transcript NM_017780.4 (MANE Select); 23 bases into the intron before coding-DNA position 5405, G replaced by T.
Molecular consequence: intron variant.
Genome position (GRCh38, 1-based): chr8:60,850,470, G>T. VCF-style: chr8-60850470-G-T. GRCh37 (hg19) VCF-style: chr8-61763029-G-T.
Other names: c.1717-11759G>T (NM_001316690.1).
Identifiers: ClinVar variation 5002474 (VCV005002474.1).